The following is an entry in ClinVar:

ClinVar aggregate classification (germline): Pathogenic (0 of 4 stars; one submission).

Conditions:
Fanconi anemia complementation group A (FANCA). Also called: Fanconi anemia, group A; FANCA-Related Fanconi Anemia. Identifiers: Orphanet 84, MedGen C3469521, MONDO:0009215, OMIM 227650.

Submission:

Leiden Open Variation Database
Classification: Pathogenic for Fanconi anemia complementation group A. Last evaluated: 2020-02-28. Review status: no assertion criteria provided. Collection method: curation. Allele origin: germline. Affected: yes.
Comment: Curator: Arleen D. Auerbach. Submitter to LOVD: Arleen D. Auerbach.

Literature cited by the submitters: PubMed 25168418.

NC_000016.10:g.89809030_89816657del

Genes: FANCA (FA complementation group A; minus strand), LOC112486223 (Sharpr-MPRA regulatory region 3988; plus strand), LOC130059839 (ATAC-STARR-seq lymphoblastoid silent region 7925; plus strand). Cytogenetic location: 16q24.3.
Variant type: Deletion.
Genome position: GRCh38: chr16:89,809,030-89,816,657. GRCh37 (hg19): chr16:89,875,438-89,883,065.
Identifiers: ClinVar variation 974075 (VCV000974075.2), ClinGen allele CA1139664981.